The following is an entry in ClinVar:

ClinVar aggregate classification (germline): Uncertain significance (1 of 4 stars; one submission).

Conditions:
Fanconi anemia (FA). Also called: Fanconi's anemia. Identifiers: Orphanet 84, MedGen C0015625, MeSH D005199, MONDO:0019391.

Submission:

Labcorp Genetics (formerly Invitae), Labcorp
Classification: Uncertain significance for Fanconi anemia. Last evaluated: 2022-05-04. Review status: criteria provided, single submitter. Criteria: Invitae Variant Classification Sherloc (09022015). Collection method: clinical testing. Allele origin: germline.
Comment: Algorithms developed to predict the effect of missense changes on protein structure and function (SIFT, PolyPhen-2, Align-GVGD) all suggest that this variant is likely to be tolerated. In summary, the available evidence is currently insufficient to determine the role of this variant in disease. Therefore, it has been classified as a Variant of Uncertain Significance. This variant has not been reported in the literature in individuals affected with SLX4-related conditions. This variant is not present in population databases (gnomAD no frequency). This sequence change replaces proline, which is neutral and non-polar, with arginine, which is basic and polar, at codon 930 of the SLX4 protein (p.Pro930Arg).

NM_032444.4(SLX4):c.2789C>G (p.Pro930Arg)

Gene: SLX4 (SLX4 structure-specific endonuclease subunit; minus strand). Cytogenetic location: 16p13.3.
Variant type: single nucleotide variant.
Coding change: c.2789C>G on transcript NM_032444.4 (MANE Select); coding-DNA position 2789, C replaced by G.
Protein change: p.Pro930Arg; replaces proline 930 with arginine.
Molecular consequence: missense variant.
Genome position (GRCh38, 1-based): chr16:3,590,849, G>C on the plus strand (C>G on the coding strand, the complement: SLX4 is on the minus strand). VCF-style: chr16-3590849-G-C. GRCh37 (hg19) VCF-style: chr16-3640850-G-C.
Other names: short protein forms P930R.
Identifiers: ClinVar variation 1930627 (VCV001930627.5), dbSNP rs2548213890, ClinGen allele CA394522862.